The following is an entry in ClinVar:

ClinVar aggregate classification (germline): Uncertain significance. Review status: criteria provided, multiple submitters, no conflicts (2 of 4 stars). 2 submissions from 2 submitters: Uncertain significance (2). Last evaluated 2025-11-23.

Conditions:
Inborn genetic diseases. Identifiers: MedGen C0950123, MeSH D030342.

Allele frequency attached by ClinVar (database versions not stated): gnomAD 0.00001.
gnomAD v4.1: 15 of 1,612,988 alleles (0.00093%); highest among the groups gnomAD compares: Admixed American, 0.0017%; no homozygotes.

Submissions (2):

Labcorp Genetics (formerly Invitae), Labcorp
Classification: Uncertain significance. Last evaluated: 2025-11-23. Review status: criteria provided, single submitter. Criteria: Invitae Variant Classification Sherloc (09022015). Collection method: clinical testing. Allele origin: germline.
Comment: This sequence change replaces isoleucine, which is neutral and non-polar, with valine, which is neutral and non-polar, at codon 1922 of the NBAS protein (p.Ile1922Val). This variant is not present in population databases (gnomAD no frequency). This variant has not been reported in the literature in individuals affected with NBAS-related conditions. ClinVar contains an entry for this variant (Variation ID: 1352335). Invitae Evidence Modeling of protein sequence and biophysical properties (such as structural, functional, and spatial information, amino acid conservation, physicochemical variation, residue mobility, and thermodynamic stability) indicates that this missense variant is not expected to disrupt NBAS protein function with a negative predictive value of 95%. In summary, the available evidence is currently insufficient to determine the role of this variant in disease. Therefore, it has been classified as a Variant of Uncertain Significance.

Ambry Genetics
Classification: Uncertain significance for Inborn genetic diseases. Last evaluated: 2025-03-08. Review status: criteria provided, single submitter. Criteria: Ambry Variant Classification Scheme 2023. Collection method: clinical testing. Allele origin: germline.

NM_015909.4(NBAS):c.5764A>G (p.Ile1922Val)

Gene: NBAS (NBAS subunit of NRZ tethering complex; minus strand). Cytogenetic location: 2p24.3.
Variant type: single nucleotide variant.
Coding change: c.5764A>G on transcript NM_015909.4 (MANE Select); coding-DNA position 5764, A replaced by G.
Protein change: p.Ile1922Val; replaces isoleucine 1922 with valine.
Molecular consequence: missense variant. On other transcripts: non-coding transcript variant (1).
Genome position (GRCh38, 1-based): chr2:15,238,647, T>C on the plus strand (A>G on the coding strand, the complement: NBAS is on the minus strand). VCF-style: chr2-15238647-T-C. GRCh37 (hg19) VCF-style: chr2-15378771-T-C.
Other names: c.5764A>G (NM_015909.2); short protein forms I1922V.
Identifiers: ClinVar variation 1352335 (VCV001352335.9), dbSNP rs1667717060, ClinGen allele CA345892093.